The following is an entry in ClinVar:

NM_000744.7(CHRNA4):c.1018A>T (p.Met340Leu)

Gene: CHRNA4 (cholinergic receptor nicotinic alpha 4 subunit; minus strand). Cytogenetic location: 20q13.33.
Variant type: single nucleotide variant.
Coding change: c.1018A>T on transcript NM_000744.7 (MANE Select); coding-DNA position 1018, A replaced by T.
Protein change: p.Met340Leu; replaces methionine 340 with leucine.
Molecular consequence: missense variant. On other transcripts: non-coding transcript variant (1).
Genome position (GRCh38, 1-based): chr20:63,350,393, T>A on the plus strand (A>T on the coding strand, the complement: CHRNA4 is on the minus strand). VCF-style: chr20-63350393-T-A. GRCh37 (hg19) VCF-style: chr20-61981745-T-A.
Other names: c.490A>T, p.Met164Leu (NM_001256573.2); short protein forms M164L, M340L.
Identifiers: ClinVar variation 4742050 (VCV004742050.1).

ClinVar aggregate classification (germline): Uncertain significance (1 of 4 stars; one submission).

Conditions:
Familial sleep-related hypermotor epilepsy. Also called: Autosomal Dominant Sleep-Related Hypermotor (Hyperkinetic) Epilepsy. Identifiers: Orphanet 98784, MedGen C3696898, MONDO:0000030.

Submission:

Labcorp Genetics (formerly Invitae), Labcorp
Classification: Uncertain significance. Last evaluated: 2025-06-08. Review status: criteria provided, single submitter. Criteria: Invitae Variant Classification Sherloc (09022015). Collection method: clinical testing. Allele origin: germline.
Comment: This sequence change replaces methionine, which is neutral and non-polar, with leucine, which is neutral and non-polar, at codon 340 of the CHRNA4 protein (p.Met340Leu). This variant is not present in population databases (gnomAD no frequency). This variant has not been reported in the literature in individuals affected with CHRNA4-related conditions. Invitae Evidence Modeling of protein sequence and biophysical properties (such as structural, functional, and spatial information, amino acid conservation, physicochemical variation, residue mobility, and thermodynamic stability) has been performed for this missense variant. However, the output from this modeling did not meet the statistical confidence thresholds required to predict the impact of this variant on CHRNA4 protein function. In summary, the available evidence is currently insufficient to determine the role of this variant in disease. Therefore, it has been classified as a Variant of Uncertain Significance.